The following is an entry in ClinVar:

ClinVar aggregate classification (germline): Uncertain significance. Review status: criteria provided, multiple submitters, no conflicts (2 of 4 stars). 2 submissions from 2 submitters: Uncertain significance (2). Last evaluated 2023-05-15.

Conditions:
Cardiovascular phenotype. Identifiers: MedGen CN230736.
DK1-congenital disorder of glycosylation. Also called: DK1-CDG; DOLK-congenital disorder of glycosylation; Carbohydrate deficient glycoprotein syndrome type 1m; DK1 DEFICIENCY; DOLICHOL KINASE DEFICIENCY; CONGENITAL DISORDER OF GLYCOSYLATION, TYPE Im. Identifiers: Orphanet 91131, MedGen C1835849, MONDO:0012556, OMIM 610768.

Allele frequency attached by ClinVar (database versions not stated): gnomAD exomes below 0.00001 and 0.00002; ExAC 0.00001; gnomAD 0.00001; TOPMed 0.00001.
gnomAD v4.1: 9 of 1,613,810 alleles (0.00056%); highest among the groups gnomAD compares: Admixed American, 0.005%; no homozygotes.

Submissions (2):

Labcorp Genetics (formerly Invitae), Labcorp
Classification: Uncertain significance for DK1-congenital disorder of glycosylation. Last evaluated: 2023-05-15. Review status: criteria provided, single submitter. Criteria: Invitae Variant Classification Sherloc (09022015). Collection method: clinical testing. Allele origin: germline.
Comment: In summary, the available evidence is currently insufficient to determine the role of this variant in disease. Therefore, it has been classified as a Variant of Uncertain Significance. Advanced modeling of protein sequence and biophysical properties (such as structural, functional, and spatial information, amino acid conservation, physicochemical variation, residue mobility, and thermodynamic stability) performed at Invitae indicates that this missense variant is not expected to disrupt DOLK protein function. ClinVar contains an entry for this variant (Variation ID: 837442). This variant has not been reported in the literature in individuals affected with DOLK-related conditions. This variant is present in population databases (rs747285047, gnomAD 0.006%). This sequence change replaces threonine, which is neutral and polar, with alanine, which is neutral and non-polar, at codon 387 of the DOLK protein (p.Thr387Ala).

Ambry Genetics
Classification: Uncertain significance for Cardiovascular phenotype. Last evaluated: 2022-05-24. Review status: criteria provided, single submitter. Criteria: Ambry Variant Classification Scheme 2023. Collection method: clinical testing. Allele origin: germline.
Comment: The p.T387A variant (also known as c.1159A>G), located in coding exon 1 of the DOLK gene, results from an A to G substitution at nucleotide position 1159. The threonine at codon 387 is replaced by alanine, an amino acid with similar properties. This amino acid position is conserved. In addition, this alteration is predicted to be tolerated by in silico analysis. Since supporting evidence is limited at this time, the clinical significance of this alteration remains unclear.

NM_014908.4(DOLK):c.1159A>G (p.Thr387Ala)

Gene: DOLK (dolichol kinase; minus strand). Cytogenetic location: 9q34.11.
Variant type: single nucleotide variant.
Coding change: c.1159A>G on transcript NM_014908.4 (MANE Select); coding-DNA position 1159, A replaced by G.
Protein change: p.Thr387Ala; replaces threonine 387 with alanine.
Molecular consequence: missense variant.
Genome position (GRCh38, 1-based): chr9:128,946,145, T>C on the plus strand (A>G on the coding strand, the complement: DOLK is on the minus strand). VCF-style: chr9-128946145-T-C. GRCh37 (hg19) VCF-style: chr9-131708424-T-C.
Other names: short protein forms T387A.
Identifiers: ClinVar variation 837442 (VCV000837442.12), dbSNP rs747285047, ClinGen allele CA5271618.